The following is an entry in ClinVar:

ClinVar aggregate classification (germline): Uncertain significance (1 of 4 stars; one submission).

Conditions:
Cornelia de Lange syndrome 4 (CDLS4). Also called: RAD21-Related Cornelia de Lange Syndrome; CORNELIA DE LANGE SYNDROME 4 WITH OR WITHOUT MIDLINE BRAIN DEFECTS. Identifiers: Orphanet 199, MedGen C3553517, MONDO:0013864, OMIM 614701.

Submission:

Labcorp Genetics (formerly Invitae), Labcorp
Classification: Uncertain significance for Cornelia de Lange syndrome 4. Last evaluated: 2024-10-30. Review status: criteria provided, single submitter. Criteria: Invitae Variant Classification Sherloc (09022015). Collection method: clinical testing. Allele origin: germline.
Comment: This sequence change replaces glutamine, which is neutral and polar, with glutamic acid, which is acidic and polar, at codon 474 of the RAD21 protein (p.Gln474Glu). This variant is not present in population databases (gnomAD no frequency). This variant has not been reported in the literature in individuals affected with RAD21-related conditions. Invitae Evidence Modeling of protein sequence and biophysical properties (such as structural, functional, and spatial information, amino acid conservation, physicochemical variation, residue mobility, and thermodynamic stability) indicates that this missense variant is not expected to disrupt RAD21 protein function with a negative predictive value of 95%. In summary, the available evidence is currently insufficient to determine the role of this variant in disease. Therefore, it has been classified as a Variant of Uncertain Significance.

NM_006265.3(RAD21):c.1420C>G (p.Gln474Glu)

Gene: RAD21 (RAD21 cohesin complex component; minus strand). Cytogenetic location: 8q24.11.
Variant type: single nucleotide variant.
Coding change: c.1420C>G on transcript NM_006265.3 (MANE Select); coding-DNA position 1420, C replaced by G.
Protein change: p.Gln474Glu; replaces glutamine 474 with glutamic acid.
Molecular consequence: missense variant.
Genome position (GRCh38, 1-based): chr8:116,851,998, G>C on the plus strand (C>G on the coding strand, the complement: RAD21 is on the minus strand). VCF-style: chr8-116851998-G-C. GRCh37 (hg19) VCF-style: chr8-117864237-G-C.
Other names: short protein forms Q474E.
Identifiers: ClinVar variation 3720882 (VCV003720882.2).